The following is an entry in ClinVar:

ClinVar aggregate classification (germline): Uncertain significance. Review status: criteria provided, multiple submitters, no conflicts (2 of 4 stars). 4 submissions from 4 submitters: Uncertain significance (4). Last evaluated 2024-09-10.

Conditions:
Inborn genetic diseases. Identifiers: MedGen C0950123, MeSH D030342.
Mitochondrial complex IV deficiency, nuclear type 4. Also called: Mitochondrial complex 4 deficiency, nuclear type 4. Identifiers: MedGen C5436683, MONDO:0033636, OMIM 619048.
Mitochondrial complex IV deficiency, nuclear type 1 (MC4DN1). Also called: COX DEFICIENCY; Mitochondrial complex IV deficiency; Complex 4 mitochondrial respiratory chain deficiency; Deficiency of mitochondrial respiratory chain complex4; Complex IV deficiency. Identifiers: MedGen C5435656, MONDO:0700250, OMIM 220110. Disease mechanism: loss of function.

Allele frequency attached by ClinVar (database versions not stated): gnomAD exomes 0.00001 and 0.00002; ExAC 0.00003; TOPMed 0.00006; gnomAD 0.00008 and 0.00009.
gnomAD v4.1: 26 of 1,609,976 alleles (0.0016%); highest among the groups gnomAD compares: African/African-American, 0.028%; no homozygotes.

Submissions (4):

Ambry Genetics
Classification: Uncertain significance for Inborn genetic diseases. Last evaluated: 2024-09-10. Review status: criteria provided, single submitter. Criteria: Ambry Variant Classification Scheme 2023. Collection method: clinical testing. Allele origin: germline.

Fulgent Genetics
Classification: Uncertain significance for Mitochondrial complex IV deficiency, nuclear type 4. Last evaluated: 2024-02-06. Review status: criteria provided, single submitter. Criteria: ACMG Guidelines, 2015. Collection method: clinical testing. Allele origin: germline.

Labcorp Genetics (formerly Invitae), Labcorp
Classification: Uncertain significance. Last evaluated: 2022-07-20. Review status: criteria provided, single submitter. Criteria: Invitae Variant Classification Sherloc (09022015). Collection method: clinical testing. Allele origin: germline.
Comment: This sequence change replaces proline, which is neutral and non-polar, with alanine, which is neutral and non-polar, at codon 32 of the SCO1 protein (p.Pro32Ala). This variant is present in population databases (rs762163897, gnomAD 0.03%). This variant has not been reported in the literature in individuals affected with SCO1-related conditions. ClinVar contains an entry for this variant (Variation ID: 1028273). Algorithms developed to predict the effect of missense changes on protein structure and function (SIFT, PolyPhen-2, Align-GVGD) all suggest that this variant is likely to be tolerated. In summary, the available evidence is currently insufficient to determine the role of this variant in disease. Therefore, it has been classified as a Variant of Uncertain Significance.

Baylor Genetics
Classification: Uncertain significance for Mitochondrial complex IV deficiency, nuclear type 1. Last evaluated: 2019-04-06. Review status: criteria provided, single submitter. Criteria: ACMG Guidelines, 2015. Collection method: clinical testing. Allele origin: unknown. Affected: yes.
Comment: This variant was determined to be of uncertain significance according to ACMG Guidelines, 2015 [PMID:25741868].

NM_004589.4(SCO1):c.94C>G (p.Pro32Ala)

Genes: SCO1 (synthesis of cytochrome C oxidase 1; minus strand), LOC112529895 (Sharpr-MPRA regulatory region 5903; plus strand). Cytogenetic location: 17p13.1.
Variant type: single nucleotide variant.
Coding change: c.94C>G on transcript NM_004589.4 (MANE Select); coding-DNA position 94, C replaced by G.
Protein change: p.Pro32Ala; replaces proline 32 with alanine.
Molecular consequence: missense variant.
Genome position (GRCh38, 1-based): chr17:10,697,414, G>C on the plus strand (C>G on the coding strand, the complement: SCO1 is on the minus strand). VCF-style: chr17-10697414-G-C. GRCh37 (hg19) VCF-style: chr17-10600731-G-C.
Other names: short protein forms P32A.
Identifiers: ClinVar variation 1028273 (VCV001028273.7), dbSNP rs762163897, ClinGen allele CA8393707.
Genomic context (GRCh38, chr17:10,697,414, plus strand): 5'-ACGCCTCCGCTTGCCGCGCGCAGAACTGCCTCAGCAAGACTCTCGCAGTCCCCTCGGCTG[G>C]GCCCCAAAACTCGAGTCCGCGAGGCAAGAAGCGCCAAAGTTGGCCACCCAGAGGCCGCAT-3'
Protein context (NP_004580.1, residues 22-42): FLPRGLEFWG[Pro32Ala]AEGTARVLLR